The following is an entry in ClinVar:

NM_000390.4(CHM):c.1299C>T (p.Leu433=)

Gene: CHM (CHM Rab escort protein; minus strand). Cytogenetic location: Xq21.2.
Variant type: single nucleotide variant.
Coding change: c.1299C>T on transcript NM_000390.4 (MANE Select); coding-DNA position 1299, C replaced by T.
Protein change: p.Leu433=; no amino-acid change (leucine 433 retained).
Molecular consequence: synonymous variant.
Genome position (GRCh38, 1-based): chrX:85,901,134, G>A on the plus strand (C>T on the coding strand, the complement: CHM is on the minus strand). VCF-style: chrX-85901134-G-A. GRCh37 (hg19) VCF-style: chrX-85156139-G-A.
Other names: c.1299C>T (NM_000390.3); c.855C>T, p.Leu285= (NM_001320959.1, NM_001362517.1, NM_001362518.2 and 1 more transcripts).
Identifiers: ClinVar variation 772569 (VCV000772569.14), dbSNP rs185514039, ClinGen allele CA10465415.

ClinVar aggregate classification (germline): Benign/Likely benign. Review status: criteria provided, multiple submitters, no conflicts (2 of 4 stars). 3 submissions from 3 submitters: Benign (1); Likely benign (1). 1 of the submissions does not count toward it. Last evaluated 2025-09-14.

Conditions:
CHM-related disorder. Also called: CHM-related condition.

Allele frequency attached by ClinVar (database versions not stated): ExAC 0.00003; gnomAD exomes 0.00003 and 0.00014; 1000 Genomes Project 0.00026; gnomAD 0.00035; 1000 Genomes Project 30x 0.00042; TOPMed 0.00051.
gnomAD v4.1: 74 of 1,202,228 alleles (0.0062%); highest among the groups gnomAD compares: Admixed American, 0.15%; no homozygotes.

Submissions (3):

Labcorp Genetics (formerly Invitae), Labcorp
Classification: Benign. Last evaluated: 2025-09-14. Review status: criteria provided, single submitter. Criteria: Invitae Variant Classification Sherloc (09022015). Collection method: clinical testing. Allele origin: germline.

Blueprint Genetics
Classification: Likely benign. Last evaluated: 2022-11-15. Review status: criteria provided, single submitter. Criteria: ACMG Guidelines, 2015. Collection method: clinical testing. Allele origin: germline.

PreventionGenetics, part of Exact Sciences
Classification: Likely benign for CHM-related condition. Last evaluated: 2019-05-01. Review status: no assertion criteria provided. Collection method: clinical testing. Allele origin: germline. Not counted in ClinVar's aggregate classification.
Comment: This variant is classified as likely benign based on ACMG/AMP sequence variant interpretation guidelines (Richards et al. 2015 PMID: 25741868, with internal and published modifications).